The following is an entry in ClinVar:

NM_018012.4(KIF26B):c.2711G>A (p.Arg904Gln)

Gene: KIF26B (kinesin family member 26B; plus strand). Cytogenetic location: 1q44.
Variant type: single nucleotide variant.
Coding change: c.2711G>A on transcript NM_018012.4 (MANE Select); coding-DNA position 2711, G replaced by A.
Protein change: p.Arg904Gln; replaces arginine 904 with glutamine.
Molecular consequence: missense variant.
Genome position (GRCh38, 1-based): chr1:245,685,694, G>A. VCF-style: chr1-245685694-G-A. GRCh37 (hg19) VCF-style: chr1-245848996-G-A.
Other names: short protein forms R904Q.
Identifiers: ClinVar variation 3055899 (VCV003055899.2), dbSNP rs61744484, ClinGen allele CA1488077.

ClinVar aggregate classification (germline): Benign (0 of 4 stars; one submission).

Conditions:
KIF26B-related disorder. Also called: KIF26B-related condition.

Allele frequency attached by ClinVar (database versions not stated): 1000 Genomes Project 30x 0.01327; 1000 Genomes Project 0.01398; TOPMed 0.03078; gnomAD 0.03465; ESP Exome Variant Server 0.03646; ExAC 0.03897; gnomAD exomes 0.04705.
gnomAD v4.1: 73,710 of 1,612,884 alleles (4.6%); highest among the groups gnomAD compares: Non-Finnish European, 5.1%; 1,825 homozygotes.

Submission:

PreventionGenetics, part of Exact Sciences
Classification: Benign for KIF26B-related condition. Last evaluated: 2020-01-20. Review status: no assertion criteria provided. Collection method: clinical testing. Allele origin: germline.
Comment: This variant is classified as benign based on ACMG/AMP sequence variant interpretation guidelines (Richards et al. 2015 PMID: 25741868, with internal and published modifications).